The following is an entry in ClinVar:

ClinVar aggregate classification (germline): Likely pathogenic (1 of 4 stars; one submission).

Conditions:
3-methylcrotonyl-CoA carboxylase 2 deficiency. Also called: METHYLCROTONYLGLYCINURIA, TYPE II; 3 alpha methylcrotonyl-CoA carboxylase 2 deficiency; 3 alpha methylcrotonylglycinuria 2; MCC 2 deficiency; Methylcrotonylglycinuria type 2. Identifiers: Orphanet 6, MedGen C1859499, MONDO:0008862, OMIM 210210.

Submission:

Labcorp Genetics (formerly Invitae), Labcorp
Classification: Likely pathogenic for 3-methylcrotonyl-CoA carboxylase 2 deficiency. Last evaluated: 2025-04-02. Review status: criteria provided, single submitter. Criteria: Invitae Variant Classification Sherloc (09022015). Collection method: clinical testing. Allele origin: germline.
Comment: This sequence change replaces tyrosine, which is neutral and polar, with cysteine, which is neutral and slightly polar, at codon 23 of the MCCC2 protein (p.Tyr23Cys). This variant is present in population databases (no rsID available, gnomAD 0.004%). This variant has not been reported in the literature in individuals affected with MCCC2-related conditions. ClinVar contains an entry for this variant (Variation ID: 2711697). Invitae Evidence Modeling of protein sequence and biophysical properties (such as structural, functional, and spatial information, amino acid conservation, physicochemical variation, residue mobility, and thermodynamic stability) indicates that this missense variant is expected to disrupt MCCC2 protein function with a positive predictive value of 95%. This variant disrupts the p.Tyr23 amino acid residue in MCCC2. Other variant(s) that disrupt this residue have been determined to be pathogenic (internal data). This suggests that this residue is clinically significant, and that variants that disrupt this residue are likely to be disease-causing. In summary, the currently available evidence indicates that the variant is pathogenic, but additional data are needed to prove that conclusively. Therefore, this variant has been classified as Likely Pathogenic.

NM_022132.5(MCCC2):c.68A>G (p.Tyr23Cys)

Gene: MCCC2 (methylcrotonyl-CoA carboxylase subunit 2; plus strand). Cytogenetic location: 5q13.2.
Variant type: single nucleotide variant.
Coding change: c.68A>G on transcript NM_022132.5 (MANE Select); coding-DNA position 68, A replaced by G.
Protein change: p.Tyr23Cys; replaces tyrosine 23 with cysteine.
Molecular consequence: missense variant.
Genome position (GRCh38, 1-based): chr5:71,587,493, A>G. VCF-style: chr5-71587493-A-G. GRCh37 (hg19) VCF-style: chr5-70883320-A-G.
Other names: c.68A>G, p.Tyr23Cys (NM_001363147.1); short protein forms Y23C.
Identifiers: ClinVar variation 2711697 (VCV002711697.3), dbSNP rs1238687077, ClinGen allele CA360001925.